The following is an entry in ClinVar:

NM_004522.3(KIF5C):c.1535A>C (p.Asn512Thr)

Gene: KIF5C (kinesin family member 5C; plus strand). Cytogenetic location: 2q23.1.
Variant type: single nucleotide variant.
Coding change: c.1535A>C on transcript NM_004522.3 (MANE Select); coding-DNA position 1535, A replaced by C.
Protein change: p.Asn512Thr; replaces asparagine 512 with threonine.
Molecular consequence: missense variant. On other transcripts: non-coding transcript variant (1).
Genome position (GRCh38, 1-based): chr2:148,981,527, A>C. VCF-style: chr2-148981527-A-C. GRCh37 (hg19) VCF-style: chr2-149838041-A-C.
Other names: short protein forms N512T.
Identifiers: ClinVar variation 4057026 (VCV004057026.1).
Genomic context (GRCh38, chr2:148,981,527, plus strand): 5'-AGGAGCTGGCTGTCAATTATGACCAGAAATCACAGGAAGTGGAGGATAAGACCCGGGCCA[A>C]TGAGCAGCTGACAGACGAGCTGGCCCAGAAAACGGTTGGAGCATTTGTGTCTAGGGGGTG-3'
Protein context (NP_004513.1, residues 502-522): SQEVEDKTRA[Asn512Thr]EQLTDELAQK

ClinVar aggregate classification (germline): Uncertain significance (1 of 4 stars; one submission).

Submission:

GeneDx
Classification: Uncertain significance. Last evaluated: 2025-01-11. Review status: criteria provided, single submitter. Criteria: GeneDx Variant Classification Process June 2021. Collection method: clinical testing. Allele origin: germline. Affected: yes.
Comment: Not observed at significant frequency in large population cohorts (gnomAD); In silico analysis supports that this missense variant has a deleterious effect on protein structure/function; Has not been previously published as pathogenic or benign to our knowledge